The following is an entry in ClinVar:

ClinVar aggregate classification (germline): Uncertain significance. Review status: criteria provided, multiple submitters, no conflicts (2 of 4 stars). 2 submissions from 2 submitters: Uncertain significance (2). Last evaluated 2025-10-05.

Allele frequency attached by ClinVar (database versions not stated): TOPMed 0.00003; ExAC 0.00005; gnomAD 0.00005; 1000 Genomes Project 0.00020; 1000 Genomes Project 30x 0.00031.
gnomAD v4.1: 23 of 1,549,962 alleles (0.0015%); highest among the groups gnomAD compares: East Asian, 0.046%; no homozygotes.

Submissions (2):

Labcorp Genetics (formerly Invitae), Labcorp
Classification: Uncertain significance. Last evaluated: 2025-10-05. Review status: criteria provided, single submitter. Criteria: Invitae Variant Classification Sherloc (09022015). Collection method: clinical testing. Allele origin: germline.
Comment: This sequence change replaces proline, which is neutral and non-polar, with serine, which is neutral and polar, at codon 704 of the MCM5 protein (p.Pro704Ser). This variant is present in population databases (rs560173736, gnomAD 0.1%), and has an allele count higher than expected for a pathogenic variant. This variant has not been reported in the literature in individuals affected with MCM5-related conditions. ClinVar contains an entry for this variant (Variation ID: 2595861). An algorithm developed to predict the effect of missense changes on protein structure and function (PolyPhen-2) suggests that this variant is likely to be tolerated. In summary, the available evidence is currently insufficient to determine the role of this variant in disease. Therefore, it has been classified as a Variant of Uncertain Significance.

Ambry Genetics
Classification: Uncertain significance. Last evaluated: 2023-06-30. Review status: criteria provided, single submitter. Criteria: Ambry Variant Classification Scheme 2023. Collection method: clinical testing. Allele origin: germline.

NM_006739.4(MCM5):c.2110C>T (p.Pro704Ser)

Gene: MCM5 (minichromosome maintenance complex component 5; plus strand). Cytogenetic location: 22q12.3.
Variant type: single nucleotide variant.
Coding change: c.2110C>T on transcript NM_006739.4 (MANE Select); coding-DNA position 2110, C replaced by T.
Protein change: p.Pro704Ser; replaces proline 704 with serine.
Molecular consequence: missense variant.
Genome position (GRCh38, 1-based): chr22:35,424,160, C>T. VCF-style: chr22-35424160-C-T. GRCh37 (hg19) VCF-style: chr22-35820153-C-T.
Other names: short protein forms P704S.
Identifiers: ClinVar variation 2595861 (VCV002595861.3), dbSNP rs560173736, ClinGen allele CA10205669.